The following is an entry in ClinVar:

ClinVar aggregate classification (germline): Uncertain significance. Review status: criteria provided, multiple submitters, no conflicts (2 of 4 stars). 2 submissions from 2 submitters: Uncertain significance (2). Last evaluated 2025-12-24.

Conditions:
Autosomal dominant Parkinson disease 8. Also called: LRRK2-Related Parkinson Disease; Parkinson disease 8; Parkinson disease 8, susceptibility to. Identifiers: Orphanet 411602, MedGen C1846862, MONDO:0011764, OMIM 607060.

Allele frequency attached by ClinVar (database versions not stated): gnomAD exomes 0.00008 and 0.00005; TOPMed 0.00009; ESP Exome Variant Server 0.00023; ExAC 0.00008; gnomAD 0.00008.
gnomAD v4.1: 98 of 1,613,178 alleles (0.0061%); highest among the groups gnomAD compares: Middle Eastern, 0.033%; no homozygotes.

Submissions (2):

Dasa
Classification: Uncertain significance. Last evaluated: 2025-12-24. Review status: criteria provided, single submitter. Criteria: DASA Assertion Criteria. Collection method: clinical testing. Allele origin: germline.
Comment: NM_198578.4(LRRK2):c.1477C>T (p.Arg493Cys) is a missense variant that results in the substitution of arginine with cysteine. Multiple computational predictions suggest no deleterious effect on the gene or gene product. The variant is present at low frequency in population datasets. Based on the available data, this variant is classified as variant of uncertain significance.

Labcorp Genetics (formerly Invitae), Labcorp
Classification: Uncertain significance for Autosomal dominant Parkinson disease 8. Last evaluated: 2025-08-30. Review status: criteria provided, single submitter. Criteria: Invitae Variant Classification Sherloc (09022015). Collection method: clinical testing. Allele origin: germline.
Comment: This sequence change replaces arginine, which is basic and polar, with cysteine, which is neutral and slightly polar, at codon 493 of the LRRK2 protein (p.Arg493Cys). This variant is present in population databases (rs199954611, gnomAD 0.02%), and has an allele count higher than expected for a pathogenic variant. This variant has not been reported in the literature in individuals affected with LRRK2-related conditions. ClinVar contains an entry for this variant (Variation ID: 1492558). Invitae Evidence Modeling of protein sequence and biophysical properties (such as structural, functional, and spatial information, amino acid conservation, physicochemical variation, residue mobility, and thermodynamic stability) has been performed for this missense variant. However, the output from this modeling did not meet the statistical confidence thresholds required to predict the impact of this variant on LRRK2 protein function. In summary, the available evidence is currently insufficient to determine the role of this variant in disease. Therefore, it has been classified as a Variant of Uncertain Significance.

NM_198578.4(LRRK2):c.1477C>T (p.Arg493Cys)

Gene: LRRK2 (leucine rich repeat kinase 2; plus strand). Cytogenetic location: 12q12.
Variant type: single nucleotide variant.
Coding change: c.1477C>T on transcript NM_198578.4 (MANE Select); coding-DNA position 1477, C replaced by T.
Protein change: p.Arg493Cys; replaces arginine 493 with cysteine.
Molecular consequence: missense variant.
Genome position (GRCh38, 1-based): chr12:40,259,538, C>T. VCF-style: chr12-40259538-C-T. GRCh37 (hg19) VCF-style: chr12-40653340-C-T.
Other names: short protein forms R493C.
Identifiers: ClinVar variation 1492558 (VCV001492558.9), dbSNP rs199954611, ClinGen allele CA6513380.
Genomic context (GRCh38, chr12:40,259,538, plus strand): 5'-AGCAACACTTCCCTGGATATAATGGCAGCAGTGGTCCCCAAAATACTAACAGTTATGAAA[C>T]GTCATGAGACATCATTACCAGTGCAGCTGGAGGCGCTTCGAGCTATTTTACATTTTATAG-3'
Protein context (NP_940980.4, residues 483-503): VVPKILTVMK[Arg493Cys]HETSLPVQLE